The following is an entry in ClinVar:

ClinVar aggregate classification (germline): Uncertain significance (1 of 4 stars; one submission).

Conditions:
Hereditary cancer-predisposing syndrome. Also called: Tumor predisposition; Hereditary Cancer Syndrome; Hereditary neoplastic syndrome; Neoplastic Syndromes, Hereditary. Identifiers: Orphanet 140162, MedGen C0027672, MeSH D009386, MONDO:0015356.

Submission:

Ambry Genetics
Classification: Uncertain significance for Hereditary cancer-predisposing syndrome. Last evaluated: 2024-05-13. Review status: criteria provided, single submitter. Criteria: Ambry Variant Classification Scheme 2023. Collection method: clinical testing. Allele origin: germline.
Comment: The p.T767S variant (also known as c.2300C>G), located in coding exon 9 of the AXIN2 gene, results from a C to G substitution at nucleotide position 2300. The threonine at codon 767 is replaced by serine, an amino acid with similar properties. This amino acid position is conserved. In addition, the in silico prediction for this alteration is inconclusive. Based on the available evidence, the clinical significance of this variant remains unclear.

NM_004655.4(AXIN2):c.2300C>G (p.Thr767Ser)

Gene: AXIN2 (axin 2; minus strand). Cytogenetic location: 17q24.1.
Variant type: single nucleotide variant.
Coding change: c.2300C>G on transcript NM_004655.4 (MANE Select); coding-DNA position 2300, C replaced by G.
Protein change: p.Thr767Ser; replaces threonine 767 with serine.
Molecular consequence: missense variant.
Genome position (GRCh38, 1-based): chr17:65,534,017, G>C on the plus strand (C>G on the coding strand, the complement: AXIN2 is on the minus strand). VCF-style: chr17-65534017-G-C. GRCh37 (hg19) VCF-style: chr17-63530135-G-C.
Other names: c.2105C>G, p.Thr702Ser (NM_001363813.1); short protein forms T767S, T702S.
Identifiers: ClinVar variation 2610969 (VCV002610969.3), dbSNP rs763613779, ClinGen allele CA400675556.